The following is an entry in ClinVar:

NM_000038.6(APC):c.-19+6807G>A

Gene: APC (APC regulator of WNT signaling pathway; plus strand). Cytogenetic location: 5q22.2.
Variant type: single nucleotide variant.
Coding change: c.-19+6807G>A on transcript NM_000038.6 (MANE Select); 6807 bases into the intron after 19 bases upstream of the start codon, G replaced by A.
Molecular consequence: intron variant.
Genome position (GRCh38, 1-based): chr5:112,744,732, G>A. VCF-style: chr5-112744732-G-A. GRCh37 (hg19) VCF-style: chr5-112080429-G-A.
Other names: c.-18-10141G>A (NM_001354895.2); c.166-21594G>A (NM_001354897.2, NM_001354902.2, NM_001127511.3); c.-19+6272G>A (NM_001127510.3); c.60+6272G>A (NM_001354898.2, NM_001354904.2); c.-1054+6807G>A (NM_001354906.2); c.-19+6807G>A (NM_001354896.2, NM_001354903.2, NM_001354899.2); c.-43+6807G>A (NM_001354900.2, NM_001354901.2, NM_001354905.2).
Identifiers: ClinVar variation 82769 (VCV000082769.2), dbSNP rs75261426, ClinGen allele CA006948.

ClinVar aggregate classification (germline): other (0 of 4 stars; one submission).

Conditions:
Familial colorectal cancer. Identifiers: MedGen CN280943, MONDO:0023113. Disease mechanism: loss of function.

Submission:

Systems Biology Platform Zhejiang California International NanoSystems Institute
Classification: other for Familial colorectal cancer. Review status: no assertion criteria provided. Collection method: not provided. Allele origin: unknown.
ClinVar note: Converted during submission from cancer to other.